The following is an entry in ClinVar:

ClinVar aggregate classification (germline): Uncertain significance (1 of 4 stars; one submission).

Submission:

Ambry Genetics
Classification: Uncertain significance. Last evaluated: 2026-07-11. Review status: criteria provided, single submitter. Criteria: Ambry Variant Classification Scheme 2023. Collection method: clinical testing. Allele origin: germline.
Comment: The p.A771V variant (also known as c.2312C>T), located in coding exon 13 of the ATRIP gene, results from a C to T substitution at nucleotide position 2312. The alanine at codon 771 is replaced by valine, an amino acid with similar properties. This amino acid position is conserved. In addition, this alteration is predicted to be tolerated by in silico analysis. Based on the available evidence, the clinical significance of this variant remains unclear.

NM_130384.3(ATRIP):c.2312C>T (p.Ala771Val)

Genes: ATRIP (ATR interacting protein; plus strand), ATRIP-TREX1 (ATRIP-TREX1 readthrough; plus strand), LOC129936704 (ATAC-STARR-seq lymphoblastoid active region 19829; plus strand). Cytogenetic location: 3p21.31.
Variant type: single nucleotide variant.
Coding change: c.2312C>T on transcript NM_130384.3 (MANE Select); coding-DNA position 2312, C replaced by T.
Protein change: p.Ala771Val; replaces alanine 771 with valine.
Molecular consequence: missense variant. On other transcripts: non-coding transcript variant (1).
Genome position (GRCh38, 1-based): chr3:48,465,490, C>T. VCF-style: chr3-48465490-C-T. GRCh37 (hg19) VCF-style: chr3-48506889-C-T.
Other names: c.1931C>T, p.Ala644Val (NM_001271022.2); c.2033C>T, p.Ala678Val (NM_001271023.2); c.2231C>T, p.Ala744Val (NM_032166.4); short protein forms A678V, A744V, A644V, A771V.
Identifiers: ClinVar variation 5032427 (VCV005032427.1).